The following is an entry in ClinVar:

ClinVar aggregate classification (germline): Uncertain significance (1 of 4 stars; one submission).

Conditions:
Cardiovascular phenotype. Identifiers: MedGen CN230736.

Submission:

Ambry Genetics
Classification: Uncertain significance for Cardiovascular phenotype. Last evaluated: 2022-09-13. Review status: criteria provided, single submitter. Criteria: Ambry Variant Classification Scheme 2023. Collection method: clinical testing. Allele origin: germline.
Comment: The p.V1127A variant (also known as c.3380T>C), located in coding exon 22 of the VCL gene, results from a T to C substitution at nucleotide position 3380. The valine at codon 1127 is replaced by alanine, an amino acid with similar properties. This amino acid position is conserved. In addition, this alteration is predicted to be tolerated by in silico analysis. Since supporting evidence is limited at this time, the clinical significance of this alteration remains unclear.

NM_014000.3(VCL):c.3380T>C (p.Val1127Ala)

Gene: VCL (vinculin; plus strand). Cytogenetic location: 10q22.2.
Variant type: single nucleotide variant.
Coding change: c.3380T>C on transcript NM_014000.3 (MANE Select); coding-DNA position 3380, T replaced by C.
Protein change: p.Val1127Ala; replaces valine 1127 with alanine.
Molecular consequence: missense variant.
Genome position (GRCh38, 1-based): chr10:74,118,144, T>C. VCF-style: chr10-74118144-T-C. GRCh37 (hg19) VCF-style: chr10-75877902-T-C.
Other names: c.3176T>C, p.Val1059Ala (NM_003373.4); short protein forms V1127A, V1059A.
Identifiers: ClinVar variation 1730822 (VCV001730822.2), dbSNP rs2549239549, ClinGen allele CA377268840.
Genomic context (GRCh38, chr10:74,118,144, plus strand): 5'-GGGAAGCTGAAGCTGCTTCAATCAAAATTCGAACAGATGCTGGATTTACACTGCGCTGGG[T>C]TAGAAAGACTCCCTGGTACCAGTAGGCACCTGGCTGAGCCTGGCTGGCACAGAAACCTCT-3'
Protein context (NP_054706.1, residues 1117-1134): RTDAGFTLRW[Val1127Ala]RKTPWYQ